The following is an entry in ClinVar:

ClinVar aggregate classification (germline): Benign/Likely benign. Review status: criteria provided, multiple submitters, no conflicts (2 of 4 stars). 3 submissions from 3 submitters: Benign (2); Likely benign (1). Last evaluated 2021-11-17.

Conditions:
Danon disease. Also called: ANTOPOL DISEASE; PSEUDOGLYCOGENOSIS II; GSD IIb; LYSOSOMAL GLYCOGEN STORAGE DISEASE WITHOUT ACID MALTASE DEFICIENCY; Glycogen Storage Disease Type IIb. Identifiers: Orphanet 34587, MedGen C0878677, MONDO:0010281, OMIM 300257.

Allele frequency attached by ClinVar (database versions not stated): 1000 Genomes Project 0.00715; 1000 Genomes Project 30x 0.00832; TOPMed 0.00834.

Submissions (3):

Fulgent Genetics
Classification: Benign for Danon disease. Last evaluated: 2021-11-17. Review status: criteria provided, single submitter. Criteria: ACMG Guidelines, 2015. Collection method: clinical testing. Allele origin: unknown.

GeneDx
Classification: Likely benign. Last evaluated: 2021-05-13. Review status: criteria provided, single submitter. Criteria: GeneDx Variant Classification Process June 2021. Collection method: clinical testing. Allele origin: germline. Affected: yes.

Illumina Laboratory Services, Illumina
Classification: Benign for Danon disease. Last evaluated: 2018-01-13. Review status: criteria provided, single submitter. Criteria: ICSL Variant Classification Criteria 13 December 2019. Collection method: clinical testing. Allele origin: germline.
Comment: This variant was observed in the ICSL laboratory as part of a predisposition screen in an ostensibly healthy population. It had not been previously curated by ICSL or reported in the Human Gene Mutation Database (HGMD: prior to June 1st, 2018), and was therefore a candidate for classification through an automated scoring system. Utilizing variant allele frequency, disease prevalence and penetrance estimates, and inheritance mode, an automated score was calculated to assess if this variant is too frequent to cause the disease. Based on the score and internal cut-off values, a variant classified as benign is not then subjected to further curation. The score for this variant resulted in a classification of benign for this disease.

NM_002294.3(LAMP2):c.*1243A>G

Gene: LAMP2 (lysosome associated membrane protein 2; minus strand). Cytogenetic location: Xq24.
Variant type: single nucleotide variant.
Coding change: c.*1243A>G on transcript NM_002294.3 (MANE Select); 1243 bases downstream of the stop codon, A replaced by G.
Molecular consequence: 3 prime UTR variant. On other transcripts: intron variant (1).
Genome position (GRCh38, 1-based): chrX:120,430,080, T>C on the plus strand (A>G on the coding strand, the complement: LAMP2 is on the minus strand). VCF-style: chrX-120430080-T-C. GRCh37 (hg19) VCF-style: chrX-119563935-T-C.
Other names: c.1094-1454A>G (NM_001122606.1).
Identifiers: ClinVar variation 914617 (VCV000914617.6), dbSNP rs147825361, ClinGen allele CA335012272.
Genomic context (GRCh38, chrX:120,430,080, plus strand): 5'-CTGAAAGAATTTACTATATTTTACTGAAAGCTCTCAAAGACTGACAGCTGGGTAACAAGA[T>C]ACACTGTATTGTTAATCAGGAAGTTATAGAGACTCTGATCATGCCCCTATATACATACAA-3'